The following is an entry in ClinVar:

NM_001903.5(CTNNA1):c.773C>T (p.Ala258Val)

Gene: CTNNA1 (catenin alpha 1; plus strand). Cytogenetic location: 5q31.2.
Variant type: single nucleotide variant.
Coding change: c.773C>T on transcript NM_001903.5 (MANE Select); coding-DNA position 773, C replaced by T.
Protein change: p.Ala258Val; replaces alanine 258 with valine.
Molecular consequence: missense variant.
Genome position (GRCh38, 1-based): chr5:138,824,714, C>T. VCF-style: chr5-138824714-C-T. GRCh37 (hg19) VCF-style: chr5-138160403-C-T.
Other names: c.773C>T, p.Ala258Val (NM_001290307.3, NM_001323982.2, NM_001323983.1 and 3 more transcripts); c.464C>T, p.Ala155Val (NM_001290309.3); c.404C>T, p.Ala135Val (NM_001290310.3); short protein forms A155V, A135V, A258V.
Identifiers: ClinVar variation 3665407 (VCV003665407.2).

ClinVar aggregate classification (germline): Uncertain significance (1 of 4 stars; one submission).

Submission:

Labcorp Genetics (formerly Invitae), Labcorp
Classification: Uncertain significance. Last evaluated: 2025-01-11. Review status: criteria provided, single submitter. Criteria: Invitae Variant Classification Sherloc (09022015). Collection method: clinical testing. Allele origin: germline.
Comment: This sequence change replaces alanine, which is neutral and non-polar, with valine, which is neutral and non-polar, at codon 258 of the CTNNA1 protein (p.Ala258Val). This variant is not present in population databases (gnomAD no frequency). This variant has not been reported in the literature in individuals affected with CTNNA1-related conditions. Invitae Evidence Modeling of protein sequence and biophysical properties (such as structural, functional, and spatial information, amino acid conservation, physicochemical variation, residue mobility, and thermodynamic stability) indicates that this missense variant is not expected to disrupt CTNNA1 protein function with a negative predictive value of 80%. In summary, the available evidence is currently insufficient to determine the role of this variant in disease. Therefore, it has been classified as a Variant of Uncertain Significance.